The following is an entry in ClinVar:

ClinVar aggregate classification (germline): Uncertain significance. Review status: criteria provided, single submitter (1 of 4 stars). 2 submissions from 2 submitters: Uncertain significance (1). 1 of the submissions does not count toward it. Last evaluated 2025-03-18.

Conditions:
Autoimmune lymphoproliferative syndrome type 2A (ALPS2A). Also called: Autoimmune lymphoproliferative syndrome type 2; CASP10-Related Autoimmune Lymphoproliferative Syndrome; AUTOIMMUNE LYMPHOPROLIFERATIVE SYNDROME, TYPE IIA. Identifiers: Orphanet 3261, MedGen C1858968, MONDO:0011383, OMIM 603909.
CASP10-related disorder. Also called: CASP10-related condition.

Allele frequency attached by ClinVar (database versions not stated): ESP Exome Variant Server 0.00008.
gnomAD v4.1: 14 of 1,595,454 alleles (0.00088%); highest among the groups gnomAD compares: East Asian, 0.025%; no homozygotes.

Submissions (2):

Labcorp Genetics (formerly Invitae), Labcorp
Classification: Uncertain significance for Autoimmune lymphoproliferative syndrome type 2A. Last evaluated: 2025-03-18. Review status: criteria provided, single submitter. Criteria: Invitae Variant Classification Sherloc (09022015). Collection method: clinical testing. Allele origin: germline.
Comment: This sequence change falls in intron 5 of the CASP10 gene. It does not directly change the encoded amino acid sequence of the CASP10 protein. It affects a nucleotide within the consensus splice site. This variant is present in population databases (rs374339540, gnomAD 0.06%), and has an allele count higher than expected for a pathogenic variant. This variant has not been reported in the literature in individuals affected with CASP10-related conditions. ClinVar contains an entry for this variant (Variation ID: 1916910). Variants that disrupt the consensus splice site are a relatively common cause of aberrant splicing (PMID: 17576681, 9536098). Algorithms developed to predict the effect of sequence changes on RNA splicing suggest that this variant is not likely to affect RNA splicing. In summary, the available evidence is currently insufficient to determine the role of this variant in disease. Therefore, it has been classified as a Variant of Uncertain Significance.

PreventionGenetics, part of Exact Sciences
Classification: Likely benign for CASP10-related condition. Last evaluated: 2020-09-03. Review status: no assertion criteria provided. Collection method: clinical testing. Allele origin: germline. Not counted in ClinVar's aggregate classification.
Comment: This variant is classified as likely benign based on ACMG/AMP sequence variant interpretation guidelines (Richards et al. 2015 PMID: 25741868, with internal and published modifications).

Literature cited by the submitters: PubMed 17576681 (cited by Labcorp Genetics (formerly Invitae), Labcorp); PubMed 9536098 (cited by Labcorp Genetics (formerly Invitae), Labcorp).

NM_032977.4(CASP10):c.684+4G>T

Gene: CASP10 (caspase 10; plus strand). Cytogenetic location: 2q33.1.
Variant type: single nucleotide variant.
Coding change: c.684+4G>T on transcript NM_032977.4 (MANE Select); 4 bases into the intron after coding-DNA position 684, G replaced by T.
Molecular consequence: intron variant.
Genome position (GRCh38, 1-based): chr2:201,195,952, G>T. VCF-style: chr2-201195952-G-T. GRCh37 (hg19) VCF-style: chr2-202060675-G-T.
Other names: c.684+4G>T (NM_032977.3, NM_032974.5, NM_001206542.2 and 4 more transcripts).
Identifiers: ClinVar variation 1916910 (VCV001916910.7), dbSNP rs374339540, ClinGen allele CA2052946.
Genomic context (GRCh38, chr2:201,195,952, plus strand): 5'-GGAGAGGAAGAACTAGTTTCCCAAACAGATGTTAAGACATTCTTGGAAGCCTTACCGGTA[G>T]GTTCAGTGGTGTGCTGGTCAATGCTTAACAACCGGCTCCACCCTCCAACCTCCCCTCCCT-3'